The following is an entry in ClinVar:

NM_000059.4(BRCA2):c.316+368A>G

Gene: BRCA2 (BRCA2 DNA repair associated; plus strand). Cytogenetic location: 13q13.1.
Variant type: single nucleotide variant.
Coding change: c.316+368A>G on transcript NM_000059.4 (MANE Select); 368 bases into the intron after coding-DNA position 316, A replaced by G.
Molecular consequence: intron variant.
Genome position (GRCh38, 1-based): chr13:32,319,693, A>G. VCF-style: chr13-32319693-A-G. GRCh37 (hg19) VCF-style: chr13-32893830-A-G.
Identifiers: ClinVar variation 1985507 (VCV001985507.4), dbSNP rs537946583, ClinGen allele CA247481960.

ClinVar aggregate classification (germline): Uncertain significance (1 of 4 stars; one submission).

Conditions:
Hereditary breast ovarian cancer syndrome. Also called: Hereditary breast and ovarian cancer; Hereditary breast and ovarian cancer syndrome; BRCA1- and BRCA2-Associated Hereditary Breast and Ovarian Cancer; Hereditary breast and ovarian cancer syndrome (HBOC); Breast and ovarian cancer; Hereditary breast and/or ovarian cancer syndrome. Identifiers: Orphanet 145, MedGen C0677776, MeSH D061325, MONDO:0003582. Disease mechanism: loss of function.

Allele frequency attached by ClinVar (database versions not stated): gnomAD 0.00002; TOPMed 0.00002; 1000 Genomes Project 30x 0.00016; 1000 Genomes Project 0.00020.

Submission:

Labcorp Genetics (formerly Invitae), Labcorp
Classification: Uncertain significance for Hereditary breast ovarian cancer syndrome. Last evaluated: 2026-01-21. Review status: criteria provided, single submitter. Criteria: Invitae Variant Classification Sherloc (09022015). Collection method: clinical testing. Allele origin: germline.
Comment: This sequence change falls in intron 3 of the BRCA2 gene. It does not directly change the encoded amino acid sequence of the BRCA2 protein. This variant is not present in population databases (gnomAD no frequency). This variant has not been reported in the literature in individuals affected with BRCA2-related conditions. ClinVar contains an entry for this variant (Variation ID: 1985507). Studies have shown that this variant is associated with inconclusive levels of altered splicing (internal data). In summary, the available evidence is currently insufficient to determine the role of this variant in disease. Therefore, it has been classified as a Variant of Uncertain Significance.